The following is an entry in ClinVar:

NM_020191.4(MRPS22):c.958C>G (p.Gln320Glu)

Gene: MRPS22 (mitochondrial ribosomal protein S22; plus strand). Cytogenetic location: 3q23.
Variant type: single nucleotide variant.
Coding change: c.958C>G on transcript NM_020191.4 (MANE Select); coding-DNA position 958, C replaced by G.
Protein change: p.Gln320Glu; replaces glutamine 320 with glutamic acid.
Molecular consequence: missense variant.
Genome position (GRCh38, 1-based): chr3:139,355,761, C>G. VCF-style: chr3-139355761-C-G. GRCh37 (hg19) VCF-style: chr3-139074603-C-G.
Other names: c.835C>G, p.Gln279Glu (NM_001363857.1); c.955C>G, p.Gln319Glu (NM_001363893.1); short protein forms Q279E, Q319E, Q320E.
Identifiers: ClinVar variation 4885462 (VCV004885462.2).

ClinVar aggregate classification (germline): Uncertain significance (1 of 4 stars; one submission).

Submission:

Dasa
Classification: Uncertain significance. Last evaluated: 2025-10-18. Review status: criteria provided, single submitter. Criteria: DASA Assertion Criteria. Collection method: clinical testing. Allele origin: germline.
Comment: NM_020191.4(MRPS22):c.958C>G (p.Gln320Glu) is a missense variant that results in the substitution of glutamine with glutamic acid. This variant is absent from population databases. The currently available literature and clinical evidence are not sufficient to establish a definitive association between this variant and the reported condition. Therefore, this variant is classified as a variant of uncertain significance.